The following is an entry in ClinVar:

NM_173660.5(DOK7):c.668G>A (p.Gly223Glu)

Gene: DOK7 (docking protein 7; plus strand). Cytogenetic location: 4p16.3.
Variant type: single nucleotide variant.
Coding change: c.668G>A on transcript NM_173660.5 (MANE Select); coding-DNA position 668, G replaced by A.
Protein change: p.Gly223Glu; replaces glycine 223 with glutamic acid.
Molecular consequence: missense variant. On other transcripts: synonymous variant (1), 5 prime UTR variant (1).
Genome position (GRCh38, 1-based): chr4:3,489,692, G>A. VCF-style: chr4-3489692-G-A. GRCh37 (hg19) VCF-style: chr4-3491419-G-A.
Other names: c.657G>A, p.Gly219= (NM_001164673.2); c.-263G>A (NM_001256896.2); c.668G>A, p.Gly223Glu (NM_001301071.2); c.236G>A, p.Gly79Glu (NM_001363811.2); short protein forms G223E, G79E.
Identifiers: ClinVar variation 534117 (VCV000534117.14), dbSNP rs146895834, ClinGen allele CA2829142.

ClinVar aggregate classification (germline): Conflicting classifications of pathogenicity. Review status: criteria provided, conflicting classifications (1 of 4 stars). 3 submissions from 3 submitters: Uncertain significance (2); Likely benign (1). Last evaluated 2025-10-21.

Conditions:
Inborn genetic diseases. Identifiers: MedGen C0950123, MeSH D030342.
Fetal akinesia deformation sequence 1 (FADS1). Also called: Fetal akinesia sequence; Pena-Shokeir syndrome type I. Identifiers: Orphanet 994, MedGen C1276035, MONDO:0100101, OMIM 208150, HP:0001989.
Congenital myasthenic syndrome 10. Also called: Myasthenia, limb-girdle, familial. Identifiers: Orphanet 590, MedGen C1850792, MONDO:0009690, OMIM 254300.

Allele frequency attached by ClinVar (database versions not stated): gnomAD exomes 0.00002 and 0.00006; 1000 Genomes Project 30x 0.00016; ExAC 0.00017; TOPMed 0.00019; 1000 Genomes Project 0.00020; ESP Exome Variant Server 0.00023; gnomAD 0.00023 and 0.00024.
gnomAD v4.1: 61 of 1,565,078 alleles (0.0039%); highest among the groups gnomAD compares: African/African-American, 0.056%; no homozygotes.

Submissions (3):

Labcorp Genetics (formerly Invitae), Labcorp
Classification: Likely benign for Congenital myasthenic syndrome 10; Fetal akinesia deformation sequence 1. Last evaluated: 2025-10-21. Review status: criteria provided, single submitter. Criteria: Invitae Variant Classification Sherloc (09022015). Collection method: clinical testing. Allele origin: germline.

Ambry Genetics
Classification: Uncertain significance for Inborn genetic diseases. Last evaluated: 2025-08-09. Review status: criteria provided, single submitter. Criteria: Ambry Variant Classification Scheme 2023. Collection method: clinical testing. Allele origin: germline.

GeneDx
Classification: Uncertain significance. Last evaluated: 2024-07-24. Review status: criteria provided, single submitter. Criteria: GeneDx Variant Classification Process June 2021. Collection method: clinical testing. Allele origin: germline. Affected: yes.
Comment: In silico analysis indicates that this missense variant does not alter protein structure/function; Has not been previously published as pathogenic or benign to our knowledge